The following is an entry in ClinVar:

NM_006005.3(WFS1):c.2078T>C (p.Leu693Pro)

Gene: WFS1 (wolframin ER transmembrane glycoprotein; plus strand). Cytogenetic location: 4p16.1.
Variant type: single nucleotide variant.
Coding change: c.2078T>C on transcript NM_006005.3 (MANE Select); coding-DNA position 2078, T replaced by C.
Protein change: p.Leu693Pro; replaces leucine 693 with proline.
Molecular consequence: missense variant.
Genome position (GRCh38, 1-based): chr4:6,301,873, T>C. VCF-style: chr4-6301873-T-C. GRCh37 (hg19) VCF-style: chr4-6303600-T-C.
Other names: c.2078T>C, p.Leu693Pro (NM_001145853.1); short protein forms L693P.
Identifiers: ClinVar variation 1716850 (VCV001716850.5), dbSNP rs2474195876, ClinGen allele CA356177661.

ClinVar aggregate classification (germline): Uncertain significance (1 of 4 stars; one submission).

Submission:

Labcorp Genetics (formerly Invitae), Labcorp
Classification: Uncertain significance. Last evaluated: 2022-07-14. Review status: criteria provided, single submitter. Criteria: Invitae Variant Classification Sherloc (09022015). Collection method: clinical testing. Allele origin: germline.
Comment: This variant has not been reported in the literature in individuals affected with WFS1-related conditions. Advanced modeling of protein sequence and biophysical properties (such as structural, functional, and spatial information, amino acid conservation, physicochemical variation, residue mobility, and thermodynamic stability) performed at Invitae indicates that this missense variant is expected to disrupt WFS1 protein function. In summary, the available evidence is currently insufficient to determine the role of this variant in disease. Therefore, it has been classified as a Variant of Uncertain Significance. This variant is not present in population databases (gnomAD no frequency). This sequence change replaces leucine, which is neutral and non-polar, with proline, which is neutral and non-polar, at codon 693 of the WFS1 protein (p.Leu693Pro).